The following is an entry in ClinVar:

ClinVar aggregate classification (germline): Uncertain significance (1 of 4 stars; one submission).

Submission:

Women's Health and Genetics/Laboratory Corporation of America, LabCorp
Classification: Uncertain significance. Last evaluated: 2025-05-09. Review status: criteria provided, single submitter. Criteria: LabCorp Variant Classification Summary - May 2015. Collection method: clinical testing. Allele origin: germline.
Comment: Variant summary: KCNC3 c.26C>G (p.Ser9Cys) results in a non-conservative amino acid change in the encoded protein sequence. Algorithms developed to predict the effect of missense changes on protein structure and function are either unavailable or do not agree on the potential impact of this missense change. The variant was absent in 64144 control chromosomes. The available data on variant occurrences in the general population are insufficient to allow any conclusion about variant significance. To our knowledge, no occurrence of c.26C>G in individuals affected with Spinocerebellar Ataxia Type 13 and no experimental evidence demonstrating its impact on protein function have been reported. No submitters have cited clinical-significance assessments for this variant to ClinVar. Based on the evidence outlined above, the variant was classified as uncertain significance.

NM_004977.3(KCNC3):c.26C>G (p.Ser9Cys)

Genes: KCNC3 (potassium voltage-gated channel subfamily C member 3; minus strand), LOC111811967 (Sharpr-MPRA regulatory region 11330/13384; plus strand). Cytogenetic location: 19q13.33.
Variant type: single nucleotide variant.
Coding change: c.26C>G on transcript NM_004977.3 (MANE Select); coding-DNA position 26, C replaced by G.
Protein change: p.Ser9Cys; replaces serine 9 with cysteine.
Molecular consequence: missense variant. On other transcripts: 5 prime UTR variant (1).
Genome position (GRCh38, 1-based): chr19:50,329,057, G>C on the plus strand (C>G on the coding strand, the complement: KCNC3 is on the minus strand). VCF-style: chr19-50329057-G-C. GRCh37 (hg19) VCF-style: chr19-50832314-G-C.
Other names: c.-203C>G (NM_001372305.1); short protein forms S9C.
Identifiers: ClinVar variation 3902334 (VCV003902334.1).